The following is an entry in ClinVar:

ClinVar aggregate classification (germline): Likely benign (1 of 4 stars; one submission).

Allele frequency attached by ClinVar (database versions not stated): TOPMed 0.00103; 1000 Genomes Project 30x 0.00109; gnomAD 0.00113; 1000 Genomes Project 0.00120; ESP Exome Variant Server 0.00138; ExAC 0.00176; gnomAD exomes 0.00180.
gnomAD v4.1: 2,892 of 1,614,082 alleles (0.18%); highest among the groups gnomAD compares: Middle Eastern, 0.71%; 10 homozygotes.

Submission:

CeGaT Center for Human Genetics Tuebingen
Classification: Likely benign. Last evaluated: 2022-09-01. Review status: criteria provided, single submitter. Criteria: CeGaT Center For Human Genetics Tuebingen Variant Classification Criteria Version 2. Collection method: clinical testing. Allele origin: germline. Affected: yes. Observed: 1 variant allele.
Comment: SETMAR: BP4, BP7

NM_006515.4(SETMAR):c.840T>C (p.His280=)

Genes: SETMAR (SET and mariner transposase domain methyltransferase; plus strand), SUMF1 (sulfatase modifying factor 1; minus strand). Cytogenetic location: 3p26.1.
Variant type: single nucleotide variant.
Coding change: c.840T>C on transcript NM_006515.4 (MANE Select); coding-DNA position 840, T replaced by C.
Protein change: p.His280=; no amino-acid change (histidine 280 retained).
Molecular consequence: synonymous variant. On other transcripts: intron variant (4).
Genome position (GRCh38, 1-based): chr3:4,313,581, T>C. VCF-style: chr3-4313581-T-C. GRCh37 (hg19) VCF-style: chr3-4355265-T-C.
Other names: c.840T>C, p.His280= (NM_001276325.2); c.489-66T>C (NM_001243723.2); c.158-86T>C (NM_001320677.2); c.72-66T>C (NM_001320676.2); c.157-2631T>C (NM_001320678.2).
Identifiers: ClinVar variation 2653449 (VCV002653449.24), dbSNP rs142449470, ClinGen allele CA2230137.